The following is an entry in ClinVar:

ClinVar aggregate classification (germline): Uncertain significance. Review status: criteria provided, multiple submitters, no conflicts (2 of 4 stars). 2 submissions from 2 submitters: Uncertain significance (2). Last evaluated 2024-02-22.

Conditions:
Pseudohypoaldosteronism type 2B (PHA2B). Also called: Pseudohypoaldosteronism Type IIB. Identifiers: Orphanet 757, Orphanet 88939, MedGen C1840390, MONDO:0013777, OMIM 614491.

Allele frequency attached by ClinVar (database versions not stated): TOPMed below 0.00001; gnomAD 0.00002; ExAC 0.00005.
gnomAD v4.1: 41 of 1,613,738 alleles (0.0025%); highest among the groups gnomAD compares: South Asian, 0.037%; no homozygotes.

Submissions (2):

Fulgent Genetics
Classification: Uncertain significance for Pseudohypoaldosteronism type 2B. Last evaluated: 2024-02-22. Review status: criteria provided, single submitter. Criteria: ACMG Guidelines, 2015. Collection method: clinical testing. Allele origin: germline.

Women's Health and Genetics/Laboratory Corporation of America, LabCorp
Classification: Uncertain significance. Last evaluated: 2024-02-14. Review status: criteria provided, single submitter. Criteria: LabCorp Variant Classification Summary - May 2015. Collection method: clinical testing. Allele origin: germline.
Comment: Variant summary: WNK4 c.2447C>G (p.Pro816Arg) results in a non-conservative amino acid change in the encoded protein sequence. Three of five in-silico tools predict a damaging effect of the variant on protein function. The variant allele was found at a frequency of 3.6e-05 in 251446 control chromosomes. The available data on variant occurrences in the general population are insufficient to allow any conclusion about variant significance. To our knowledge, no occurrence of c.2447C>G in individuals affected with Pseudohypoaldosteronism Type 2B and no experimental evidence demonstrating its impact on protein function have been reported. No submitters have cited clinical-significance assessments for this variant to ClinVar. Based on the evidence outlined above, the variant was classified as uncertain significance.

NM_032387.5(WNK4):c.2447C>G (p.Pro816Arg)

Gene: WNK4 (WNK lysine deficient protein kinase 4; plus strand). Cytogenetic location: 17q21.2.
Variant type: single nucleotide variant.
Coding change: c.2447C>G on transcript NM_032387.5 (MANE Select); coding-DNA position 2447, C replaced by G.
Protein change: p.Pro816Arg; replaces proline 816 with arginine.
Molecular consequence: missense variant.
Genome position (GRCh38, 1-based): chr17:42,794,868, C>G. VCF-style: chr17-42794868-C-G. GRCh37 (hg19) VCF-style: chr17-40946886-C-G.
Other names: c.1439C>G, p.Pro480Arg (NM_001321299.2); short protein forms P480R, P816R.
Identifiers: ClinVar variation 3068784 (VCV003068784.3), dbSNP rs756583755, ClinGen allele CA8584386.